The following is an entry in ClinVar:

NM_001267550.2(TTN):c.5851G>A (p.Val1951Ile)

Gene: TTN (titin; minus strand). Cytogenetic location: 2q31.2.
Variant type: single nucleotide variant.
Coding change: c.5851G>A on transcript NM_001267550.2 (MANE Select); coding-DNA position 5851, G replaced by A.
Protein change: p.Val1951Ile; replaces valine 1951 with isoleucine.
Molecular consequence: missense variant.
Genome position (GRCh38, 1-based): chr2:178,776,013, C>T on the plus strand (G>A on the coding strand, the complement: TTN is on the minus strand). VCF-style: chr2-178776013-C-T. GRCh37 (hg19) VCF-style: chr2-179640740-C-T.
Other names: p.V1951I:GTA>ATA; c.5713G>A, p.Val1905Ile (NM_003319.4, NM_133432.3, NM_133437.4); c.5851G>A, p.Val1951Ile (NM_133379.5, NM_001256850.1, NM_133378.4); short protein forms V1951I, V1905I.
Identifiers: ClinVar variation 203140 (VCV000203140.6), dbSNP rs765382880, ClinGen allele CA311404.

ClinVar aggregate classification (germline): Uncertain significance. Review status: criteria provided, multiple submitters, no conflicts (2 of 4 stars). 6 submissions from 2 submitters: Uncertain significance (6). Last evaluated 2018-03-23.

Conditions:
Early-onset myopathy with fatal cardiomyopathy (CMYO5). Also called: CONGENITAL MYOPATHY 5 WITH CARDIOMYOPATHY; Salih Myopathy. Identifiers: Orphanet 289377, MedGen C2673677, MONDO:0012714, OMIM 611705. Disease mechanism: loss of function.
Myopathy, myofibrillar, 9, with early respiratory failure (MFM9). Also called: EDSTROM MYOPATHY; MYOPATHY, PROXIMAL, WITH EARLY RESPIRATORY MUSCLE INVOLVEMENT; Myopathy, distal, with early respiratory failure, autosomal dominant; Hereditary myopathy with early respiratory failure. Identifiers: Orphanet 178464, Orphanet 34521, MedGen C1863599, MONDO:0011362, OMIM 603689.
Autosomal recessive limb-girdle muscular dystrophy type 2J (LGMDR10). Also called: MUSCULAR DYSTROPHY, LIMB-GIRDLE, AUTOSOMAL RECESSIVE 10; Limb-girdle muscular dystrophy, type 2J. Identifiers: Orphanet 140922, MedGen C1837342, MONDO:0012127, OMIM 608807.
Tibial muscular dystrophy (TMD). Also called: UDD MYOPATHY; Tibial muscular dystrophy, tardive; Udd Distal Myopathy – Tibial Muscular Dystrophy. Identifiers: Orphanet 609, MedGen C1838244, MONDO:0010870, OMIM 600334.
Dilated cardiomyopathy 1G (CMD1G). Identifiers: Orphanet 154, MedGen C1858763, MONDO:0011400, OMIM 604145.

Allele frequency attached by ClinVar (database versions not stated): gnomAD exomes below 0.00001 and 0.00002; TOPMed below 0.00001; gnomAD 0.00001; ExAC 0.00002.
gnomAD v4.1: 8 of 1,614,006 alleles (0.0005%); highest among the groups gnomAD compares: East Asian, 0.0045%; no homozygotes.

Submissions (6):

Illumina Laboratory Services, Illumina
Classification: Uncertain significance for Tibial muscular dystrophy. Last evaluated: 2018-03-23. Review status: criteria provided, single submitter. Criteria: ICSL Variant Classification Criteria 13 December 2019. Collection method: clinical testing. Allele origin: germline.

Illumina Laboratory Services, Illumina
Classification: Uncertain significance for Myopathy, myofibrillar, 9, with early respiratory failure. Last evaluated: 2018-03-23. Review status: criteria provided, single submitter. Criteria: ICSL Variant Classification Criteria 13 December 2019. Collection method: clinical testing. Allele origin: germline.

Illumina Laboratory Services, Illumina
Classification: Uncertain significance for Early-onset myopathy with fatal cardiomyopathy. Last evaluated: 2018-03-23. Review status: criteria provided, single submitter. Criteria: ICSL Variant Classification Criteria 13 December 2019. Collection method: clinical testing. Allele origin: germline.

Illumina Laboratory Services, Illumina
Classification: Uncertain significance for Dilated cardiomyopathy 1G. Last evaluated: 2018-03-23. Review status: criteria provided, single submitter. Criteria: ICSL Variant Classification Criteria 13 December 2019. Collection method: clinical testing. Allele origin: germline.

Illumina Laboratory Services, Illumina
Classification: Uncertain significance for Autosomal recessive limb-girdle muscular dystrophy type 2J. Last evaluated: 2018-03-23. Review status: criteria provided, single submitter. Criteria: ICSL Variant Classification Criteria 13 December 2019. Collection method: clinical testing. Allele origin: germline.

GeneDx
Classification: Uncertain significance. Last evaluated: 2014-07-16. Review status: criteria provided, single submitter. Criteria: GeneDx Variant Classification (06012015). Collection method: clinical testing. Allele origin: germline. Affected: yes.
Comment: Missense variants in the TTN gene are considered 'unclassified' if they are not previously reported in the literature and do not have >1% frequency in the population to be considered a polymorphism. Research indicates that truncating mutations in the TTN gene are expected to account for approximately 25% of familial and 18% of sporadic idiopathic DCM; however, truncating variants in the TTN gene have been reported in approximately 3% of reported control alleles. There has been little investigation into non-truncating variants. (Herman D et al. Truncations of titin causing dilated cardiomyopathy. N Eng J Med 366:619-628, 2012) The variant is found in DCM-CRDM panel(s).